The following is an entry in ClinVar:

ClinVar aggregate classification (germline): Likely pathogenic (1 of 4 stars; one submission).

Conditions:
Developmental and epileptic encephalopathy, 54. Also called: Epileptic encephalopathy, early infantile, 54; HNRNPU-Related Neurodevelopmental Disorder. Identifiers: MedGen C4479319, MONDO:0033363, OMIM 617391.

Submission:

Labcorp Genetics (formerly Invitae), Labcorp
Classification: Likely pathogenic for Developmental and epileptic encephalopathy, 54. Last evaluated: 2023-11-07. Review status: criteria provided, single submitter. Criteria: Invitae Variant Classification Sherloc (09022015). Collection method: clinical testing. Allele origin: germline.
Comment: This sequence change replaces leucine, which is neutral and non-polar, with phenylalanine, which is neutral and non-polar, at codon 290 of the HNRNPU protein (p.Leu290Phe). This variant is not present in population databases (gnomAD no frequency). This missense change has been observed in individual(s) with developmental and epileptic encephalopathy (Invitae). In at least one individual the variant was observed to be de novo. An algorithm developed to predict the effect of missense changes on protein structure and function (PolyPhen-2) suggests that this variant is likely to be disruptive. In summary, the currently available evidence indicates that the variant is pathogenic, but additional data are needed to prove that conclusively. Therefore, this variant has been classified as Likely Pathogenic.

NM_031844.3(HNRNPU):c.868C>T (p.Leu290Phe)

Gene: HNRNPU (heterogeneous nuclear ribonucleoprotein U; minus strand). Cytogenetic location: 1q44.
Variant type: single nucleotide variant.
Coding change: c.868C>T on transcript NM_031844.3 (MANE Select); coding-DNA position 868, C replaced by T.
Protein change: p.Leu290Phe; replaces leucine 290 with phenylalanine.
Molecular consequence: missense variant.
Genome position (GRCh38, 1-based): chr1:244,862,470, G>A on the plus strand (C>T on the coding strand, the complement: HNRNPU is on the minus strand). VCF-style: chr1-244862470-G-A. GRCh37 (hg19) VCF-style: chr1-245025772-G-A.
Other names: c.811C>T, p.Leu271Phe (NM_004501.3); short protein forms L290F, L271F.
Identifiers: ClinVar variation 2768940 (VCV002768940.3), dbSNP rs2527889928, ClinGen allele CA345495028.